The following is an entry in ClinVar:

NM_005739.4(RASGRP1):c.1023G>A (p.Arg341=)

Gene: RASGRP1 (RAS guanyl releasing protein 1; minus strand). Cytogenetic location: 15q14.
Variant type: single nucleotide variant.
Coding change: c.1023G>A on transcript NM_005739.4 (MANE Select); coding-DNA position 1023, G replaced by A.
Protein change: p.Arg341=; no amino-acid change (arginine 341 retained).
Molecular consequence: synonymous variant.
Genome position (GRCh38, 1-based): chr15:38,507,945, C>T on the plus strand (G>A on the coding strand, the complement: RASGRP1 is on the minus strand). VCF-style: chr15-38507945-C-T. GRCh37 (hg19) VCF-style: chr15-38800146-C-T.
Other names: c.1023G>A, p.Arg341= (NM_001128602.2, NM_001306086.2).
Identifiers: ClinVar variation 1675118 (VCV001675118.1), dbSNP rs2141104454, ClinGen allele CA489707349.

ClinVar aggregate classification (germline): Uncertain significance (1 of 4 stars; one submission).

Conditions:
Immunodeficiency 64. Also called: IMMUNODEFICIENCY 64 WITH LYMPHOPROLIFERATION. Identifiers: Orphanet 664699, MedGen C5231402, MONDO:0032803, OMIM 618534.

Submission:

Center for Genomics, Ann and Robert H. Lurie Children's Hospital of Chicago
Classification: Uncertain significance for Immunodeficiency 64. Last evaluated: 2022-03-02. Review status: criteria provided, single submitter. Criteria: ACMG Guidelines, 2015. Collection method: clinical testing. Allele origin: germline.
Comment: RASGRP1 NM_005739.3 exon 9 p.Arg341= (c.1023G>A):This variant has not been reported in the literature and is not present in large control databases. Evolutionary conservation and computational predictive tools for this variant are limited or unavailable. Of note, this variant is a silent variant and does not change the amino acid, reducing the probability that this variant is disease causing. In summary, data on this variant is insufficient for disease classification. Therefore, the clinical significance of this variant is uncertain.